The following is an entry in ClinVar:

NM_000257.4(MYH7):c.4568T>C (p.Ile1523Thr)

Genes: MHRT (myosin heavy chain associated RNA transcript; plus strand), MYH7 (myosin heavy chain 7; minus strand). Cytogenetic location: 14q11.2.
Variant type: single nucleotide variant.
Coding change: c.4568T>C on transcript NM_000257.4 (MANE Select); coding-DNA position 4568, T replaced by C.
Protein change: p.Ile1523Thr; replaces isoleucine 1523 with threonine.
Molecular consequence: missense variant. On other transcripts: non-coding transcript variant (1).
Genome position (GRCh38, 1-based): chr14:23,416,944, A>G on the plus strand (T>C on the coding strand, the complement: MYH7 is on the minus strand). VCF-style: chr14-23416944-A-G. GRCh37 (hg19) VCF-style: chr14-23886153-A-G.
Other names: short protein forms I1523T.
Identifiers: ClinVar variation 919569 (VCV000919569.6), dbSNP rs1892237828, ClinGen allele CA389038124.
Genomic context (GRCh38, chr14:23,416,944, plus strand): 5'-GCTGACTGCAGCTCCATCTTCTCGGCCTCCAGCTGCTTTCGGACCTTCTCCAGCTCATGG[A>G]TAGTCTTTCCGCTGGAACCCAACTGCTCAGTCAAGTCGGAGATCTCCTCTGTGTGGGGAA-3'
Protein context (NP_000248.2, residues 1513-1533): TEQLGSSGKT[Ile1523Thr]HELEKVRKQL

ClinVar aggregate classification (germline): Uncertain significance. Review status: criteria provided, multiple submitters, no conflicts (2 of 4 stars). 3 submissions from 3 submitters: Uncertain significance (3). Last evaluated 2026-07-06.

Conditions:
Hypertrophic cardiomyopathy. Also called: HYPERTROPHIC MYOCARDIOPATHY. Identifiers: Orphanet 217569, MedGen C0007194, MeSH D002312, MONDO:0005045, HP:0001639.
Cardiomyopathy (CMYO). Also called: Cardiomyopathies. Identifiers: Orphanet 167848, MedGen C0878544, MONDO:0004994, HP:0001638. Inheritance: Various modes of inheritance.
Cardiovascular phenotype. Identifiers: MedGen CN230736.

Allele frequency attached by ClinVar (database versions not stated): gnomAD exomes below 0.00001.
gnomAD v4.1: 1 of 1,614,166 alleles (0.000062%); highest among the groups gnomAD compares: Non-Finnish European, 0.000085%; no homozygotes.

Submissions (3):

Ambry Genetics
Classification: Uncertain significance for Cardiovascular phenotype. Last evaluated: 2026-07-06. Review status: criteria provided, single submitter. Criteria: Ambry Variant Classification Scheme 2023. Collection method: clinical testing. Allele origin: germline.
Comment: The p.I1523T variant (also known as c.4568T>C), located in coding exon 31 of the MYH7 gene, results from a T to C substitution at nucleotide position 4568. The isoleucine at codon 1523 is replaced by threonine, an amino acid with similar properties. This amino acid position is conserved. In addition, the in silico prediction for this alteration is inconclusive. Based on the available evidence, the clinical significance of this variant remains unclear.

Labcorp Genetics (formerly Invitae), Labcorp
Classification: Uncertain significance for Hypertrophic cardiomyopathy. Last evaluated: 2025-06-06. Review status: criteria provided, single submitter. Criteria: Invitae Variant Classification Sherloc (09022015). Collection method: clinical testing. Allele origin: germline.
Comment: This sequence change replaces isoleucine, which is neutral and non-polar, with threonine, which is neutral and polar, at codon 1523 of the MYH7 protein (p.Ile1523Thr). This variant is not present in population databases (gnomAD no frequency). This variant has not been reported in the literature in individuals affected with MYH7-related conditions. ClinVar contains an entry for this variant (Variation ID: 919569). Invitae Evidence Modeling of protein sequence and biophysical properties (such as structural, functional, and spatial information, amino acid conservation, physicochemical variation, residue mobility, and thermodynamic stability) has been performed for this missense variant. However, the output from this modeling did not meet the statistical confidence thresholds required to predict the impact of this variant on MYH7 protein function. In summary, the available evidence is currently insufficient to determine the role of this variant in disease. Therefore, it has been classified as a Variant of Uncertain Significance.

Color Diagnostics, LLC DBA Color Health
Classification: Uncertain significance for Cardiomyopathy. Last evaluated: 2024-03-06. Review status: criteria provided, single submitter. Criteria: ACMG Guidelines, 2015. Collection method: clinical testing. Allele origin: germline.
Comment: This missense variant replaces isoleucine with threonine at codon 1523 of the MYH7 protein. Computational prediction is inconclusive regarding the impact of this variant on protein structure and function (internally defined REVEL score threshold 0.5 < inconclusive < 0.7, PMID: 27666373). Splice site prediction tools suggest that this variant may not impact RNA splicing. To our knowledge, functional studies have not been performed for this variant. This variant has not been reported in individuals affected with cardiovascular disorders in the literature. This variant has not been identified in the general population by the Genome Aggregation Database (gnomAD). The available evidence is insufficient to determine the role of this variant in disease conclusively. Therefore, this variant is classified as a Variant of Uncertain Significance.